The following is an entry in ClinVar:

ClinVar aggregate classification (germline): Uncertain significance (1 of 4 stars; one submission).

Conditions:
Pitt-Hopkins-like syndrome 2 (PTHSL2). Identifiers: Orphanet 221150, Orphanet 600663, MedGen C3280479, MONDO:0013690, OMIM 614325.

Allele frequency attached by ClinVar (database versions not stated): gnomAD exomes below 0.00001.
gnomAD v4.1: 1 of 1,613,428 alleles (0.000062%); highest among the groups gnomAD compares: Non-Finnish European, 0.000085%; no homozygotes.

Submission:

Labcorp Genetics (formerly Invitae), Labcorp
Classification: Uncertain significance for Pitt-Hopkins-like syndrome 2. Last evaluated: 2024-01-05. Review status: criteria provided, single submitter. Criteria: Invitae Variant Classification Sherloc (09022015). Collection method: clinical testing. Allele origin: germline.
Comment: This sequence change replaces histidine, which is basic and polar, with arginine, which is basic and polar, at codon 850 of the NRXN1 protein (p.His850Arg). This variant is not present in population databases (gnomAD no frequency). This variant has not been reported in the literature in individuals affected with NRXN1-related conditions. An algorithm developed to predict the effect of missense changes on protein structure and function (PolyPhen-2) suggests that this variant is likely to be disruptive. In summary, the available evidence is currently insufficient to determine the role of this variant in disease. Therefore, it has been classified as a Variant of Uncertain Significance.

NM_001330078.2(NRXN1):c.2429A>G (p.His810Arg)

Gene: NRXN1 (neurexin 1; minus strand). Cytogenetic location: 2p16.3.
Variant type: single nucleotide variant.
Coding change: c.2429A>G on transcript NM_001330078.2 (MANE Select); coding-DNA position 2429, A replaced by G.
Protein change: p.His810Arg; replaces histidine 810 with arginine.
Molecular consequence: missense variant.
Genome position (GRCh38, 1-based): chr2:50,506,563, T>C on the plus strand (A>G on the coding strand, the complement: NRXN1 is on the minus strand). VCF-style: chr2-50506563-T-C. GRCh37 (hg19) VCF-style: chr2-50733701-T-C.
Other names: c.2549A>G, p.His850Arg (NM_001135659.3); c.2405A>G, p.His802Arg (NM_001330077.2, NM_001330082.2); c.2363A>G, p.His788Arg (NM_001330083.2, NM_001330084.2); c.2402A>G, p.His801Arg (NM_001330085.2); c.2429A>G, p.His810Arg (NM_001330086.2, NM_004801.6); c.2318A>G, p.His773Arg (NM_001330087.2, NM_001330096.2); c.2348A>G, p.His783Arg (NM_001330088.2); c.2426A>G, p.His809Arg (NM_001330093.2); and 2 more; short protein forms H788R, H806R, H783R, H793R, H809R, H801R, H810R, H802R.
Identifiers: ClinVar variation 2752558 (VCV002752558.3), dbSNP rs2469000872, ClinGen allele CA346777959.